The following is an entry in ClinVar:

NM_006493.4(CLN5):c.-23C>T

Gene: CLN5 (CLN5 lysosomal BMP synthase; plus strand). Cytogenetic location: 13q22.3.
Variant type: single nucleotide variant.
Coding change: c.-23C>T on transcript NM_006493.4 (MANE Select); 23 bases upstream of the start codon, C replaced by T.
Genome position (GRCh38, 1-based): chr13:76,992,076, C>T. VCF-style: chr13-76992076-C-T. GRCh37 (hg19) VCF-style: chr13-77566211-C-T.
Other names: c.125C>T (NM_006493.2).
Identifiers: ClinVar variation 1038293 (VCV001038293.11), dbSNP rs949213778, ClinGen allele CA388306100.

ClinVar aggregate classification (germline): Uncertain significance. Review status: criteria provided, multiple submitters, no conflicts (2 of 4 stars). 3 submissions from 3 submitters: Uncertain significance (2). 1 of the submissions does not count toward it. Last evaluated 2025-05-20.

Conditions:
Inborn genetic diseases. Identifiers: MedGen C0950123, MeSH D030342.
Neuronal ceroid lipofuscinosis. Also called: Neuronal Ceroid Lipofuscinoses. Identifiers: Orphanet 216, Orphanet 79263, MedGen C0027877, MONDO:0016295. Disease mechanism: loss of function.

Submissions (3):

Ambry Genetics
Classification: Uncertain significance for Inborn genetic diseases. Last evaluated: 2025-05-20. Review status: criteria provided, single submitter. Criteria: Ambry Variant Classification Scheme 2023. Collection method: clinical testing. Allele origin: germline.

Labcorp Genetics (formerly Invitae), Labcorp
Classification: Uncertain significance for Neuronal ceroid lipofuscinosis. Last evaluated: 2022-08-10. Review status: criteria provided, single submitter. Criteria: Invitae Variant Classification Sherloc (09022015). Collection method: clinical testing. Allele origin: germline.
Comment: This sequence change replaces serine, which is neutral and polar, with phenylalanine, which is neutral and non-polar, at codon 42 of the CLN5 protein (p.Ser42Phe). This variant is not present in population databases (gnomAD no frequency). This variant has not been reported in the literature in individuals affected with CLN5-related conditions. ClinVar contains an entry for this variant (Variation ID: 1038293). Algorithms developed to predict the effect of missense changes on protein structure and function are either unavailable or do not agree on the potential impact of this missense change (SIFT: "Deleterious"; PolyPhen-2: "Benign"; Align-GVGD: "Class C0"). In summary, the available evidence is currently insufficient to determine the role of this variant in disease. Therefore, it has been classified as a Variant of Uncertain Significance.

Natera, Inc.
Classification: Uncertain significance for Neuronal ceroid lipofuscinosis. Last evaluated: 2020-12-07. Review status: no assertion criteria provided. Collection method: clinical testing. Allele origin: germline. Not counted in ClinVar's aggregate classification.